The following is an entry in ClinVar:

ClinVar aggregate classification (germline): Uncertain significance (1 of 4 stars; one submission).

Allele frequency attached by ClinVar (database versions not stated): gnomAD exomes below 0.00001; TOPMed below 0.00001.
gnomAD v4.1: 2 of 1,612,372 alleles (0.00012%); highest among the groups gnomAD compares: South Asian, 0.0011%; no homozygotes.

Submission:

Labcorp Genetics (formerly Invitae), Labcorp
Classification: Uncertain significance. Last evaluated: 2022-09-12. Review status: criteria provided, single submitter. Criteria: Invitae Variant Classification Sherloc (09022015). Collection method: clinical testing. Allele origin: germline.
Comment: This variant is not present in population databases (gnomAD no frequency). This variant has not been reported in the literature in individuals affected with ANK3-related conditions. Algorithms developed to predict the effect of missense changes on protein structure and function are either unavailable or do not agree on the potential impact of this missense change (SIFT: "Not Available"; PolyPhen-2: "Benign"; Align-GVGD: "Not Available"). In summary, the available evidence is currently insufficient to determine the role of this variant in disease. Therefore, it has been classified as a Variant of Uncertain Significance. This sequence change replaces serine, which is neutral and polar, with leucine, which is neutral and non-polar, at codon 3020 of the ANK3 protein (p.Ser3020Leu).

NM_020987.5(ANK3):c.9059C>T (p.Ser3020Leu)

Gene: ANK3 (ankyrin 3; minus strand). Cytogenetic location: 10q21.2.
Variant type: single nucleotide variant.
Coding change: c.9059C>T on transcript NM_020987.5 (MANE Select); coding-DNA position 9059, C replaced by T.
Protein change: p.Ser3020Leu; replaces serine 3020 with leucine.
Molecular consequence: missense variant. On other transcripts: intron variant (4).
Genome position (GRCh38, 1-based): chr10:60,071,822, G>A on the plus strand (C>T on the coding strand, the complement: ANK3 is on the minus strand). VCF-style: chr10-60071822-G-A. GRCh37 (hg19) VCF-style: chr10-61831580-G-A.
Other names: c.4388-3813C>T (NM_001204403.2); c.4409-3813C>T (NM_001204404.2); c.4406-3813C>T (NM_001320874.2); c.1808-3813C>T (NM_001149.4); short protein forms S3020L.
Identifiers: ClinVar variation 2104500 (VCV002104500.4), dbSNP rs2082748890, ClinGen allele CA377004218.